The following is an entry in ClinVar:

NM_000426.4(LAMA2):c.4554C>A (p.Gly1518=)

Gene: LAMA2 (laminin subunit alpha 2; plus strand). Cytogenetic location: 6q22.33.
Variant type: single nucleotide variant.
Coding change: c.4554C>A on transcript NM_000426.4 (MANE Select); coding-DNA position 4554, C replaced by A.
Protein change: p.Gly1518=; no amino-acid change (glycine 1518 retained).
Molecular consequence: synonymous variant.
Genome position (GRCh38, 1-based): chr6:129,353,194, C>A. VCF-style: chr6-129353194-C-A. GRCh37 (hg19) VCF-style: chr6-129674339-C-A.
Other names: c.4554C>A, p.Gly1518= (NM_001079823.2).
Identifiers: ClinVar variation 750828 (VCV000750828.35), dbSNP rs767497614, ClinGen allele CA3993603.

ClinVar aggregate classification (germline): Likely benign. Review status: criteria provided, multiple submitters, no conflicts (2 of 4 stars). 2 submissions from 2 submitters: Likely benign (2). Last evaluated 2026-01-11.

Conditions:
LAMA2-related muscular dystrophy (LAMA2-RD). Also called: Laminin alpha 2-related dystrophy. Identifiers: MedGen C5679788, MONDO:0100228.

Allele frequency attached by ClinVar (database versions not stated): ExAC 0.00001; gnomAD exomes 0.00001; gnomAD 0.00003 and 0.00004; TOPMed 0.00003.
gnomAD v4.1: 22 of 1,613,796 alleles (0.0014%); highest among the groups gnomAD compares: Non-Finnish European, 0.0019%; no homozygotes.

Submissions (2):

Labcorp Genetics (formerly Invitae), Labcorp
Classification: Likely benign for LAMA2-related muscular dystrophy. Last evaluated: 2026-01-11. Review status: criteria provided, single submitter. Criteria: Invitae Variant Classification Sherloc (09022015). Collection method: clinical testing. Allele origin: germline.

CeGaT Center for Human Genetics Tuebingen
Classification: Likely benign. Last evaluated: 2022-10-01. Review status: criteria provided, single submitter. Criteria: CeGaT Center For Human Genetics Tuebingen Variant Classification Criteria Version 2. Collection method: clinical testing. Allele origin: germline. Affected: yes. Observed: 1 variant allele.
Comment: LAMA2: BP4, BP7